The following is an entry in ClinVar:

NM_000552.5(VWF):c.4549A>C (p.Ser1517Arg)

Gene: VWF (von Willebrand factor; minus strand). Cytogenetic location: 12p13.31.
Variant type: single nucleotide variant.
Coding change: c.4549A>C on transcript NM_000552.5 (MANE Select); coding-DNA position 4549, A replaced by C.
Protein change: p.Ser1517Arg; replaces serine 1517 with arginine.
Molecular consequence: missense variant.
Genome position (GRCh38, 1-based): chr12:6,018,869, T>G on the plus strand (A>C on the coding strand, the complement: VWF is on the minus strand). VCF-style: chr12-6018869-T-G. GRCh37 (hg19) VCF-style: chr12-6128035-T-G.
Other names: p.S1517R; NM_000552.5(VWF):c.4549A>C; p.Ser1517Arg; short protein forms S1517R.
Identifiers: ClinVar variation 1330694 (VCV001330694.9), dbSNP rs2136412356, ClinGen allele CA383501364.

ClinVar aggregate classification (germline): Uncertain significance. Review status: reviewed by expert panel (3 of 4 stars). 3 submissions from 3 submitters: Uncertain significance (1). 2 of the submissions do not count toward it. Last evaluated 2026-03-03.

Conditions:
von Willebrand disease type 2 (VWD2). Also called: VON WILLEBRAND DISEASE, TYPE 2A/IIE; VWD, TYPE 2; VON WILLEBRAND DISEASE, TYPE 2CB; VON WILLEBRAND DISEASE, TYPE II. Identifiers: Orphanet 166081, Orphanet 903, MedGen C1264040, MONDO:0013304, OMIM 613554.
Von Willebrand disease type 2A. Identifiers: Orphanet 166084, MedGen C1282968, MONDO:0015628. Inheritance: Autosomal recessive or autosomal dominant.

Submissions (3):

ClinGen von Willebrand Disease Variant Curation Expert Panel, ClinGen
Classification: Uncertain significance for Von Willebrand disease type 2A. Last evaluated: 2026-03-03. Review status: reviewed by expert panel. Criteria: ClinGen VWD 2A B M Rules. Collection method: curation. Allele origin: germline. Inheritance: Autosomal dominant inheritance.
Comment: The NM_000552.5(VWF):c.4549A>C (p.Ser1517Arg) missense variant is absent from gnomADv4.1 (PM2_supporting). The computational predictor REVEL gives a score of 0.760, which is above the ClinGen VWD VCEP threshold of >0.644 and predicts a damaging effect on VWF function (PP3). It has been reported in one type 2A patient (PMID: 35747851). In summary, this variant meets the criteria to be classified as uncertain significance for autosomal dominant von Willebrand disease Type 2A based on the ACMG/AMP criteria applied, as specified by the ClinGen VWD VCEP: PM2_supporting, PP3.

Laboratory of Hematology, Radboud University Medical Center
Classification: Uncertain significance for von Willebrand disease type 2. Last evaluated: 2020-12-10. Review status: criteria provided, single submitter. Criteria: ACMG Guidelines, 2015. Collection method: research. Allele origin: germline. Affected: yes. Observed: 1 variant allele. Study: WIN study. Not counted in ClinVar's aggregate classification.

ARUP Laboratories, Molecular Genetics and Genomics, ARUP Laboratories
Classification: Uncertain significance. Last evaluated: 2020-11-25. Review status: criteria provided, single submitter. Criteria: ARUP Molecular Germline Variant Investigation Process 2021. Collection method: clinical testing. Allele origin: germline. Not counted in ClinVar's aggregate classification.
Comment: The VWF c.4549A>C; p.Ser1517Arg variant, to our knowledge, is not reported in the medical literature or gene specific databases. This variant is also absent from general population databases (Exome Variant Server, Genome Aggregation Database), indicating it is not a common polymorphism. The serine at codon 1517 is moderately conserved, and computational analyses predict that this variant is deleterious (REVEL: 0.760). Due to limited information, the clinical significance of the p.Ser1517Arg variant is uncertain at this time.